The following is an entry in ClinVar:

NM_152296.5(ATP1A3):c.535del (p.Asp179fs)

Gene: ATP1A3 (ATPase Na+/K+ transporting subunit alpha 3; minus strand). Cytogenetic location: 19q13.2.
Variant type: Deletion.
Coding change: c.535del on transcript NM_152296.5 (MANE Select); coding-DNA position 535, one base deleted (G; older notation c.535delG).
Protein change: p.Asp179fs; shifts the reading frame from aspartic acid 179.
Molecular consequence: frameshift variant.
Genome position (GRCh38, 1-based): chr19:41,985,935, C deleted on the plus strand (G on the coding strand, the reverse complement: ATP1A3 is on the minus strand); the first of 4 consecutive C bases (chr19:41,985,935-41,985,938); deleting any one gives the same sequence. VCF-style (leftmost placement, unchanged base first): chr19-41985934-TC-T. GRCh37 (hg19) VCF-style: chr19-42490086-TC-T.
Other names: c.568del, p.Asp190fs (NM_001256213.2); c.574del, p.Asp192fs (NM_001256214.2); short protein forms D179fs, D190fs, D192fs.
Identifiers: ClinVar variation 2502670 (VCV002502670.1), dbSNP rs2514078840, ClinGen allele CA2580614910.

ClinVar aggregate classification (germline): Uncertain significance (1 of 4 stars; one submission).

Submission:

GeneDx
Classification: Uncertain significance. Last evaluated: 2022-11-16. Review status: criteria provided, single submitter. Criteria: GeneDx Variant Classification Process June 2021. Collection method: clinical testing. Allele origin: germline. Affected: yes.
Comment: Not observed at significant frequency in large population cohorts (gnomAD); Frameshift variant predicted to result in protein truncation[or nonsense mediated decay in a gene or region of a gene for which loss of function is not a well-established mechanism of disease; Has not been previously published as pathogenic or benign to our knowledge